The following is an entry in ClinVar:

ClinVar aggregate classification (germline): Benign. Review status: reviewed by expert panel (3 of 4 stars). 27 submissions from 26 submitters: Benign (1). 26 of the submissions do not count toward it. Last evaluated 2019-06-18.

Conditions:
BRCA2-related cancer predisposition. Identifiers: MedGen CN377758, MONDO:0700269.
Inherited ovarian cancer (without breast cancer).
Hereditary cancer-predisposing syndrome. Also called: Hereditary Cancer Syndrome; Tumor predisposition; Neoplastic Syndromes, Hereditary; Hereditary neoplastic syndrome. Identifiers: Orphanet 140162, MedGen C0027672, MeSH D009386, MONDO:0015356.
Prostate cancer. Also called: Malignant tumor of prostate. Identifiers: Orphanet 1331, MedGen C0376358, MONDO:0008315, HP:0012125.
Medulloblastoma (MDB). Also called: MEDULLOBLASTOMA PREDISPOSITION SYNDROME; Medulloblastoma, somatic. Identifiers: Orphanet 616, MedGen C0025149, MeSH D008527, MONDO:0007959, OMIM 155255, HP:0002885.
Breast-ovarian cancer, familial, susceptibility to, 2 (BROVCA2). Also called: BRCA2 Hereditary Breast and Ovarian Cancer. Identifiers: Orphanet 145, MedGen C2675520, MONDO:0012933, OMIM 612555. Disease mechanism: loss of function.
Fanconi anemia complementation group D1. Also called: BRCA2-Related Fanconi Anemia. Identifiers: Orphanet 319462, MedGen C1838457, MONDO:0011584, OMIM 605724.
Wilms tumor 1 (WT1). Also called: Wilms tumor, somatic. Identifiers: Orphanet 654, MedGen CN033288, MONDO:0008679, OMIM 194070.
Pancreatic cancer, susceptibility to, 2. Identifiers: Orphanet 1333, MedGen C3150546, MONDO:0013235, OMIM 613347.
Glioma susceptibility 3 (GLM3). Also called: Glioblastoma 3. Identifiers: Orphanet 182067, Orphanet 360, MedGen C2751641, MONDO:0013093, OMIM 613029.
Familial cancer of breast. Also called: BREAST CANCER, FAMILIAL; hereditary breast carcinoma; Hereditary breast cancer. Identifiers: Orphanet 227535, MedGen C0346153, MONDO:0016419, OMIM 114480. Disease mechanism: loss of function.
Hereditary breast ovarian cancer syndrome. Also called: Breast and ovarian cancer; BRCA1- and BRCA2-Associated Hereditary Breast and Ovarian Cancer; Hereditary breast and ovarian cancer; Hereditary breast and ovarian cancer syndrome (HBOC); Hereditary breast and ovarian cancer syndrome; Hereditary breast and/or ovarian cancer syndrome. Identifiers: Orphanet 145, MedGen C0677776, MeSH D061325, MONDO:0003582. Disease mechanism: loss of function.

Allele frequency attached by ClinVar (database versions not stated): TOPMed 0.00006; gnomAD 0.00007 and 0.00003; 1000 Genomes Project 30x 0.00016; 1000 Genomes Project 0.00020; ExAC 0.00027.
gnomAD v4.1: 220 of 1,558,374 alleles (0.014%); highest among the groups gnomAD compares: South Asian, 0.2%; 4 homozygotes.

Submissions 1 to 15 of 27:

Evidence-based Network for the Interpretation of Germline Mutant Alleles (ENIGMA)
Classification: Benign for Breast-ovarian cancer, familial, susceptibility to, 2. Last evaluated: 2019-06-18. Review status: reviewed by expert panel. Criteria: ENIGMA BRCA1/2 Classification Criteria (2017-06-29). Collection method: curation. Allele origin: germline.
Comment: IARC class based on posterior probability from multifactorial likelihood analysis, thresholds for class as per Plon et al. 2008 (PMID: 18951446). Class 1 based on posterior probability = 0.000027

Labcorp Genetics (formerly Invitae), Labcorp
Classification: Benign for Hereditary breast ovarian cancer syndrome. Last evaluated: 2026-01-27. Review status: criteria provided, single submitter. Criteria: Invitae Variant Classification Sherloc (09022015). Collection method: clinical testing. Allele origin: germline. Not counted in ClinVar's aggregate classification.

Dasa
Classification: Benign for Breast-ovarian cancer, familial, susceptibility to, 2. Last evaluated: 2025-12-08. Review status: criteria provided, single submitter. Criteria: DASA Assertion Criteria. Collection method: clinical testing. Allele origin: germline. Not counted in ClinVar's aggregate classification.
Comment: NM_000059.4(BRCA2):c.6935A>T (p.Asp2312Val) is a missense variant that results in the substitution of aspartic acid with valine. Population frequency is inconsistent with a disease-causing role for this variant, observations in unaffected individuals support a benign interpretation, and functional evidence is consistent with no deleterious impact on the gene or gene product. Therefore, based on the currently available evidence, this variant is classified as benign.

Center for Genomic Medicine, Rigshospitalet, Copenhagen University Hospital
Classification: Benign. Last evaluated: 2025-03-04. Review status: criteria provided, single submitter. Criteria: ACMG Guidelines, 2015. Collection method: clinical testing. Allele origin: germline. Not counted in ClinVar's aggregate classification.

CeGaT Center for Human Genetics Tuebingen
Classification: Benign. Last evaluated: 2025-02-01. Review status: criteria provided, single submitter. Criteria: CeGaT Center For Human Genetics Tuebingen Variant Classification Criteria Version 2. Collection method: clinical testing. Allele origin: germline. Affected: yes. Observed: 1 variant allele. Not counted in ClinVar's aggregate classification.
Comment: BRCA2: BP1, BP2, BS3:Supporting, BS1

Molecular Diagnostics Laboratory, Catalan Institute of Oncology
Classification: Benign for Hereditary cancer-predisposing syndrome. Last evaluated: 2025-01-15. Review status: criteria provided, single submitter. Criteria: ClinGen BRCA1BRCA2 ACMG Specifications BRCA2 V1.0.0. Collection method: clinical testing. Allele origin: germline. Not counted in ClinVar's aggregate classification.
Comment: BA1, BS3, PP3 c.6935A>T, located in exon 12 of the BRCA2 gene, is predicted to result in the in the substitution of aspartic acid by valine at codon 2312, p.(Asp2312Val). This position is outside a (potentially) clinically important functional but the SpliceAI algorithm predicts a slight effect on the splicing donor site of intron 12 (deltascore=0.22; ALT score=0.73) and activates a cryptic splice donor site: one nucleotide upstream (deltascore=0.14, ALT score=0.14)(PP3). This missense variant shown to alter splicing, functional data considered only from assays that measure effect via mRNA and protein. Reported by two calibrated studies incorporating mRNA splicing effect to affect function similar to benign control variants (PMID:29988080, 33293522) (BS3) The variant allele was found in 58/30450 alleles, with a filter allele frequency of 0.14% at 99% confidence in the gnomAD v2.1.1 database (South Asian exome non-cancer data set)(BA1). This variant has been reported in ClinVar (1x uncertain significance, 10x likely benign, 9x benign) and LOVD (5x uncertain significance, 6x benign, 3x not classified) databases and in BRCA Exchange database as benign (“IARC class based on posterior probability from multifactorial likelihood analysis, thresholds for class as per Plon et al. 2008 (PMID: 18951446). Class 1 based on posterior probability = 0.000027”). Based on currently available information, the variant c.6935A>T is classified as a benign variant according to ClinGen- BRCA1 and BRCA2 Guidelines version 1.0.0.

ARUP Laboratories, Molecular Genetics and Genomics, ARUP Laboratories
Classification: Benign. Last evaluated: 2024-12-31. Review status: criteria provided, single submitter. Criteria: ARUP Molecular Germline Variant Investigation Process 2024. Collection method: clinical testing. Allele origin: germline. Not counted in ClinVar's aggregate classification.

Blueprint Genetics
Classification: Likely benign. Last evaluated: 2024-11-18. Review status: criteria provided, single submitter. Criteria: ACMG Guidelines, 2015. Collection method: clinical testing. Allele origin: germline. Not counted in ClinVar's aggregate classification.

Genomics and Molecular Medicine Service, East Genomic Laboratory Hub, NHS Genomic Medicine Service
Classification: Benign for Inherited ovarian cancer (without breast cancer). Last evaluated: 2024-11-06. Review status: criteria provided, single submitter. Criteria: ACGS Best Practice Guidelines for Variant Classification in Rare Disease 2020. Collection method: clinical testing. Allele origin: germline. Affected: yes. Not counted in ClinVar's aggregate classification.

All of Us Research Program, National Institutes of Health
Classification: Likely benign for BRCA2-related cancer predisposition. Last evaluated: 2024-09-23. Review status: criteria provided, single submitter. Criteria: ACMG Guidelines, 2015. Collection method: clinical testing. Allele origin: germline. Inheritance: Autosomal dominant inheritance. Observed: 21 variant alleles, 21 heterozygotes. Not counted in ClinVar's aggregate classification.
Comment: This study involves interpretation of variants in research participants for the purpose of population health screening. Participant phenotype was not available at the time of variant classification. Additional details can be found in publication PMID: 35346344, PMCID: PMC8962531

Quest Diagnostics Nichols Institute San Juan Capistrano
Classification: Benign. Last evaluated: 2023-09-08. Review status: criteria provided, single submitter. Criteria: Quest Diagnostics criteria. Collection method: clinical testing. Allele origin: unknown. Not counted in ClinVar's aggregate classification.

Fulgent Genetics
Classification: Likely benign for Familial cancer of breast; Medulloblastoma; Familial prostate cancer; Wilms tumor 1; Fanconi anemia complementation group D1; Breast-ovarian cancer, familial, susceptibility to, 2; Glioma susceptibility 3; Pancreatic cancer, susceptibility to, 2. Last evaluated: 2022-05-04. Review status: criteria provided, single submitter. Criteria: ACMG Guidelines, 2015. Collection method: clinical testing. Allele origin: unknown. Not counted in ClinVar's aggregate classification.

Sema4
Classification: Benign for Hereditary cancer-predisposing syndrome. Last evaluated: 2021-12-16. Review status: criteria provided, single submitter. Criteria: Sema4 Curation Guidelines. Collection method: curation. Allele origin: germline. Not counted in ClinVar's aggregate classification.

Mendelics
Classification: Likely benign for Breast-ovarian cancer, familial, susceptibility to, 2. Last evaluated: 2019-05-28. Review status: criteria provided, single submitter. Criteria: Mendelics Assertion Criteria 2017. Collection method: clinical testing. Allele origin: unknown. Not counted in ClinVar's aggregate classification.

GeneDx
Classification: Benign. Last evaluated: 2017-12-07. Review status: criteria provided, single submitter. Criteria: GeneDx Variant Classification (06012015). Collection method: clinical testing. Allele origin: germline. Affected: yes. Not counted in ClinVar's aggregate classification.
Comment: This variant is considered likely benign or benign based on one or more of the following criteria: it is a conservative change, it occurs at a poorly conserved position in the protein, it is predicted to be benign by multiple in silico algorithms, and/or has population frequency not consistent with disease.

NM_000059.4(BRCA2):c.6935A>T (p.Asp2312Val)

Gene: BRCA2 (BRCA2 DNA repair associated; plus strand). Cytogenetic location: 13q13.1.
Variant type: single nucleotide variant.
Coding change: c.6935A>T on transcript NM_000059.4 (MANE Select); coding-DNA position 6935, A replaced by T.
Protein change: p.Asp2312Val; replaces aspartic acid 2312 with valine.
Molecular consequence: missense variant.
Genome position (GRCh38, 1-based): chr13:32,344,651, A>T. VCF-style: chr13-32344651-A-T. GRCh37 (hg19) VCF-style: chr13-32918788-A-T.
Other names: short protein forms D2312V.
Identifiers: ClinVar variation 52220 (VCV000052220.56), dbSNP rs80358916, ClinGen allele CA024570.